The following is an entry in ClinVar:

NM_001040108.2(MLH3):c.1566del (p.Gln523fs)

Gene: MLH3 (mutL homolog 3; minus strand). Cytogenetic location: 14q24.3.
Variant type: Deletion.
Coding change: c.1566del on transcript NM_001040108.2 (MANE Select); coding-DNA position 1566, one base deleted (G; older notation c.1566delG).
Protein change: p.Gln523fs; shifts the reading frame from glutamine 523.
Molecular consequence: frameshift variant.
Genome position (GRCh38, 1-based): chr14:75,048,090, C deleted on the plus strand (G on the coding strand, the reverse complement: MLH3 is on the minus strand); the first of 3 consecutive C bases (chr14:75,048,090-75,048,092); deleting any one gives the same sequence. VCF-style (leftmost placement, unchanged base first): chr14-75048089-GC-G. GRCh37 (hg19) VCF-style: chr14-75514792-GC-G.
Other names: c.1566del, p.Gln523fs (NM_014381.3); short protein forms Q523fs.
Identifiers: ClinVar variation 4813012 (VCV004813012.1).

ClinVar aggregate classification (germline): Pathogenic (1 of 4 stars; one submission).

Conditions:
Colorectal cancer, hereditary nonpolyposis, type 7. Identifiers: Orphanet 144, MedGen C1858380, MONDO:0013725, OMIM 614385.

Submission:

Myriad Genetics, Inc.
Classification: Pathogenic for Colorectal cancer, hereditary nonpolyposis, type 7. Last evaluated: 2025-12-09. Review status: criteria provided, single submitter. Criteria: Myriad Autosomal Dominant, Autosomal Recessive and X-Linked Classification Criteria (2023). Collection method: clinical testing. Allele origin: unknown.
Comment: This variant is considered pathogenic. This variant creates a frameshift predicted to result in premature protein truncation.